The following is an entry in ClinVar:

ClinVar aggregate classification (germline): Uncertain significance (1 of 4 stars; one submission).

Allele frequency attached by ClinVar (database versions not stated): gnomAD exomes below 0.00001; ExAC 0.00001; gnomAD 0.00001; TOPMed 0.00002.
gnomAD v4.1: 3 of 1,614,022 alleles (0.00019%); highest among the groups gnomAD compares: African/African-American, 0.004%; no homozygotes.

Submission:

Ambry Genetics
Classification: Uncertain significance. Last evaluated: 2024-05-12. Review status: criteria provided, single submitter. Criteria: Ambry Variant Classification Scheme 2023. Collection method: clinical testing. Allele origin: germline.
Comment: The p.K315E variant (also known as c.943A>G), located in coding exon 7 of the RINT1 gene, results from an A to G substitution at nucleotide position 943. The lysine at codon 315 is replaced by glutamic acid, an amino acid with similar properties. This amino acid position is conserved. In addition, the in silico prediction for this alteration is inconclusive. Since supporting evidence is limited at this time, the clinical significance of this alteration remains unclear.

NM_021930.6(RINT1):c.943A>G (p.Lys315Glu)

Gene: RINT1 (RAD50 interactor 1; plus strand). Cytogenetic location: 7q22.3.
Variant type: single nucleotide variant.
Coding change: c.943A>G on transcript NM_021930.6 (MANE Select); coding-DNA position 943, A replaced by G.
Protein change: p.Lys315Glu; replaces lysine 315 with glutamic acid.
Molecular consequence: missense variant. On other transcripts: 5 prime UTR variant (1), non-coding transcript variant (1), intron variant (1).
Genome position (GRCh38, 1-based): chr7:105,548,657, A>G. VCF-style: chr7-105548657-A-G. GRCh37 (hg19) VCF-style: chr7-105189104-A-G.
Other names: c.709A>G, p.Lys237Glu (NM_001346599.2); c.-77A>G (NM_001346600.2); c.19A>G, p.Lys7Glu (NM_001346601.2); c.-27-1398A>G (NM_001346603.2); short protein forms K237E, K315E, K7E.
Identifiers: ClinVar variation 1766954 (VCV001766954.3), dbSNP rs754900732, ClinGen allele CA4426563.
Genomic context (GRCh38, chr7:105,548,657, plus strand): 5'-TCTCTTCCTGCCTCCCCTTCTGTCATCCTGCCCATCCAGGTTATGCTGACTCCTCTTCAG[A>G]AGAGGTTCAGGTATCACTTCAGAGGGAACCGGCAGACTAATGTGTTAAGCAAGGTGTGTT-3'
Protein context (NP_068749.3, residues 305-325): PIQVMLTPLQ[Lys315Glu]RFRYHFRGNR